The following is an entry in ClinVar:

ClinVar aggregate classification (germline): Pathogenic (1 of 4 stars; one submission).

Conditions:
Breast-ovarian cancer, familial, susceptibility to, 1 (BROVCA1). Also called: BRCA1 Hereditary Breast and Ovarian Cancer; OVARIAN CANCER, SUSCEPTIBILITY TO. Identifiers: Orphanet 145, MedGen C2676676, MONDO:0011450, OMIM 604370. Disease mechanism: loss of function.

Submission:

Myriad Genetics, Inc.
Classification: Pathogenic for Breast-ovarian cancer, familial, susceptibility to, 1. Last evaluated: 2024-11-12. Review status: criteria provided, single submitter. Criteria: Myriad Autosomal Dominant, Autosomal Recessive and X-Linked Classification Criteria (2023). Collection method: clinical testing. Allele origin: unknown.
Comment: This variant is considered pathogenic. This variant creates a frameshift predicted to result in premature protein truncation.

NM_007294.4(BRCA1):c.4049_4050insGAACGGA (p.Leu1351fs)

Genes: BRCA1 (BRCA1 DNA repair associated; minus strand), LOC126862571 (BRD4-independent group 4 enhancer GRCh37_chr17:41243136-41244335; plus strand). Cytogenetic location: 17q21.31.
Variant type: Insertion.
Coding change: c.4049_4050insGAACGGA on transcript NM_007294.4 (MANE Select); coding-DNA positions 4049 to 4050, GAACGGA inserted.
Protein change: p.Leu1351fs; shifts the reading frame from leucine 1351.
Molecular consequence: frameshift variant. On other transcripts: intron variant (135).
Genome position: GRCh38 VCF-style: chr17-43091481-G-GTCCGTTC. GRCh37 (hg19) VCF-style: chr17-41243498-G-GTCCGTTC.
Other names: c.4049_4050insGAACGGA, p.Leu1351fs (NM_001407616.1, NM_001407617.1, NM_001407618.1 and 30 more transcripts); c.3836_3837insGAACGGA, p.Leu1280fs (NM_001407571.1, NM_001407899.1, NM_001407853.1 and 9 more transcripts); c.4046_4047insGAACGGA, p.Leu1350fs (NM_001407587.1, NM_001407590.1, NM_001407591.1 and 22 more transcripts); c.3971_3972insGAACGGA, p.Leu1325fs (NM_001407653.1, NM_001407654.1, NM_001407655.1 and 4 more transcripts); c.3968_3969insGAACGGA, p.Leu1324fs (NM_001407659.1, NM_001407660.1, NM_001407661.1 and 1 more transcripts); c.3926_3927insGAACGGA, p.Leu1310fs (NM_001407679.1, NM_001407680.1, NM_001407681.1 and 19 more transcripts); c.3923_3924insGAACGGA, p.Leu1309fs (NM_001407685.1, NM_001407686.1, NM_001407940.1 and 11 more transcripts); c.3908_3909insGAACGGA, p.Leu1304fs (NM_001407697.1, NM_001407698.1, NM_001407724.1 and 29 more transcripts); and 41 more; short protein forms L1055fs, L1183fs, L1223fs, L1224fs, L1239fs, L1240fs, L1262fs, L1263fs.
Identifiers: ClinVar variation 3773521 (VCV003773521.1).